The following is an entry in ClinVar:

ClinVar aggregate classification (germline): Pathogenic/Likely pathogenic. Review status: criteria provided, multiple submitters, no conflicts (2 of 4 stars). 4 submissions from 4 submitters: Pathogenic (2); Likely pathogenic (2). Last evaluated 2025-10-14.

Conditions:
ABCC2-related disorder. Also called: ABCC2-related condition.

Allele frequency attached by ClinVar (database versions not stated): gnomAD exomes below 0.00001 and 0.00001; gnomAD 0.00002; TOPMed 0.00005.

Submissions (4):

PreventionGenetics, part of Exact Sciences
Classification: Likely pathogenic for ABCC2-related condition. Last evaluated: 2025-10-14. Review status: criteria provided, single submitter. Criteria: ACMG Guidelines, 2015. Collection method: clinical testing. Allele origin: germline.
Comment: The ABCC2 c.3463delA variant is predicted to result in a frameshift and premature protein termination (p.Thr1155Profs*29). To our knowledge, this variant has not been previously reported in the literature in association with disease. This variant is reported in 0.0029% of alleles in individuals of Latino descent in gnomAD. Frameshift variants in ABCC2 are expected to be pathogenic. This variant is interpreted as likely pathogenic.

Labcorp Genetics (formerly Invitae), Labcorp
Classification: Pathogenic. Last evaluated: 2025-08-12. Review status: criteria provided, single submitter. Criteria: Invitae Variant Classification Sherloc (09022015). Collection method: clinical testing. Allele origin: germline.
Comment: This sequence change creates a premature translational stop signal (p.Thr1155Profs*29) in the ABCC2 gene. It is expected to result in an absent or disrupted protein product. Loss-of-function variants in ABCC2 are known to be pathogenic (PMID: 9185779, 16549534, 16952291). This variant is present in population databases (no rsID available, gnomAD 0.003%). This variant has not been reported in the literature in individuals affected with ABCC2-related conditions. ClinVar contains an entry for this variant (Variation ID: 498041). For these reasons, this variant has been classified as Pathogenic.

GeneDx
Classification: Likely pathogenic. Last evaluated: 2024-09-23. Review status: criteria provided, single submitter. Criteria: GeneDx Variant Classification Process June 2021. Collection method: clinical testing. Allele origin: germline. Affected: yes.
Comment: Frameshift variant predicted to result in protein truncation or nonsense mediated decay in a gene for which loss of function is a known mechanism of disease; Not observed at significant frequency in large population cohorts (gnomAD); Has not been previously published as pathogenic or benign to our knowledge; This variant is associated with the following publications: (PMID: 31589614)

Eurofins Ntd Llc (ga)
Classification: Pathogenic. Last evaluated: 2016-10-17. Review status: criteria provided, single submitter. Criteria: EGL Classification Definitions 2015. Collection method: clinical testing. Allele origin: germline. Observed: 1 variant allele, 1 heterozygote.

Literature cited by the submitters: PubMed 9185779 (cited by Labcorp Genetics (formerly Invitae), Labcorp); PubMed 16549534 (cited by Labcorp Genetics (formerly Invitae), Labcorp); PubMed 16952291 (cited by Labcorp Genetics (formerly Invitae), Labcorp).

NM_000392.5(ABCC2):c.3463del (p.Thr1155fs)

Gene: ABCC2 (ATP binding cassette subfamily C member 2; plus strand). Cytogenetic location: 10q24.2.
Variant type: Deletion.
Coding change: c.3463del on transcript NM_000392.5 (MANE Select); coding-DNA position 3463, one base deleted (A; older notation c.3463delA).
Protein change: p.Thr1155fs; shifts the reading frame from threonine 1155.
Molecular consequence: frameshift variant.
Genome position (GRCh38, 1-based): chr10:99,836,139, A deleted. VCF-style (leftmost placement, unchanged base first): chr10-99836138-CA-C. GRCh37 (hg19) VCF-style: chr10-101595895-CA-C.
Other names: c.3463delA (NM_000392.4); c.3463del (NM_000392.4); c.3463del, p.Thr1155fs (LRG_1208t1); short protein forms T1155fs.
Identifiers: ClinVar variation 498041 (VCV000498041.10), dbSNP rs919078015, ClinGen allele CA212862079.